The following is an entry in ClinVar:

NM_052947.4(ALPK2):c.2056A>G (p.Thr686Ala)

Gene: ALPK2 (alpha kinase 2; minus strand). Cytogenetic location: 18q21.31.
Variant type: single nucleotide variant.
Coding change: c.2056A>G on transcript NM_052947.4 (MANE Select); coding-DNA position 2056, A replaced by G.
Protein change: p.Thr686Ala; replaces threonine 686 with alanine.
Molecular consequence: missense variant.
Genome position (GRCh38, 1-based): chr18:58,538,131, T>C on the plus strand (A>G on the coding strand, the complement: ALPK2 is on the minus strand). VCF-style: chr18-58538131-T-C. GRCh37 (hg19) VCF-style: chr18-56205363-T-C.
Other names: short protein forms T686A.
Identifiers: ClinVar variation 3288870 (VCV003288870.1).

ClinVar aggregate classification (germline): Uncertain significance (1 of 4 stars; one submission).

Submission:

Ambry Genetics
Classification: Uncertain significance. Last evaluated: 2024-06-07. Review status: criteria provided, single submitter. Criteria: Ambry Variant Classification Scheme 2023. Collection method: clinical testing. Allele origin: germline.
Comment: The p.T686A variant (also known as c.2056A>G), located in coding exon 4 of the ALPK2 gene, results from an A to G substitution at nucleotide position 2056. The threonine at codon 686 is replaced by alanine, an amino acid with similar properties. This amino acid position is conserved. In addition, this alteration is predicted to be tolerated by in silico analysis. Based on the available evidence, the clinical significance of this variant remains unclear.